The following is an entry in ClinVar:

ClinVar aggregate classification (germline): Uncertain significance (1 of 4 stars; one submission).

gnomAD v4.1: 1 of 1,614,022 alleles (0.000062%); no homozygotes.

Submission:

Labcorp Genetics (formerly Invitae), Labcorp
Classification: Uncertain significance. Last evaluated: 2022-07-24. Review status: criteria provided, single submitter. Criteria: Invitae Variant Classification Sherloc (09022015). Collection method: clinical testing. Allele origin: germline.
Comment: In summary, the available evidence is currently insufficient to determine the role of this variant in disease. Therefore, it has been classified as a Variant of Uncertain Significance. Algorithms developed to predict the effect of missense changes on protein structure and function (SIFT, PolyPhen-2, Align-GVGD) all suggest that this variant is likely to be disruptive. This variant has not been reported in the literature in individuals affected with DCHS1-related conditions. This variant is not present in population databases (gnomAD no frequency). This sequence change replaces aspartic acid, which is acidic and polar, with glutamic acid, which is acidic and polar, at codon 711 of the DCHS1 protein (p.Asp711Glu).

NM_003737.4(DCHS1):c.2133C>G (p.Asp711Glu)

Gene: DCHS1 (dachsous cadherin-related 1; minus strand). Cytogenetic location: 11p15.4.
Variant type: single nucleotide variant.
Coding change: c.2133C>G on transcript NM_003737.4 (MANE Select); coding-DNA position 2133, C replaced by G.
Protein change: p.Asp711Glu; replaces aspartic acid 711 with glutamic acid.
Molecular consequence: missense variant.
Genome position (GRCh38, 1-based): chr11:6,633,874, G>C on the plus strand (C>G on the coding strand, the complement: DCHS1 is on the minus strand). VCF-style: chr11-6633874-G-C. GRCh37 (hg19) VCF-style: chr11-6655105-G-C.
Other names: short protein forms D711E.
Identifiers: ClinVar variation 1713706 (VCV001713706.5), dbSNP rs1273831738, ClinGen allele CA379423639.
Genomic context (GRCh38, chr11:6,633,874, plus strand): 5'-TGGGGGGCTGTTGCCAGCCAGGATATGGTAGGAGAGTCGCCCATGGGATCCCTGGTCAGG[G>C]TCATGGGCACGCAACCTCAGCACAGCTGTGCCTGGTGGACTCTGGGCACTTATACTGGCA-3'
Protein context (NP_003728.1, residues 701-721): GTAVLRLRAH[Asp711Glu]PDQGSHGRLS